The following is an entry in ClinVar:

NM_000051.4(ATM):c.798G>T (p.Trp266Cys)

Gene: ATM (ATM serine/threonine kinase; plus strand). Cytogenetic location: 11q22.3.
Variant type: single nucleotide variant.
Coding change: c.798G>T on transcript NM_000051.4 (MANE Select); coding-DNA position 798, G replaced by T.
Protein change: p.Trp266Cys; replaces tryptophan 266 with cysteine.
Molecular consequence: missense variant.
Genome position (GRCh38, 1-based): chr11:108,244,923, G>T. VCF-style: chr11-108244923-G-T. GRCh37 (hg19) VCF-style: chr11-108115650-G-T.
Other names: c.798G>T, p.Trp266Cys (NM_001351834.2); short protein forms W266C.
Identifiers: ClinVar variation 1473797 (VCV001473797.8), dbSNP rs2079766417, ClinGen allele CA382529367.

ClinVar aggregate classification (germline): Uncertain significance (1 of 4 stars; one submission).

Conditions:
Ataxia-telangiectasia syndrome (AT). Also called: ATAXIA-TELANGIECTASIA, COMPLEMENTATION GROUP A; ATAXIA-TELANGIECTASIA, FRESNO VARIANT; LOUIS-BAR SYNDROME; Ataxia-telangiectasia; Cerebello-oculocutaneous telangiectasia; Immunodeficiency with ataxia telangiectasia. Identifiers: Orphanet 100, MedGen C0004135, MONDO:0008840, OMIM 208900.

Submission:

Labcorp Genetics (formerly Invitae), Labcorp
Classification: Uncertain significance for Ataxia-telangiectasia syndrome. Last evaluated: 2025-01-14. Review status: criteria provided, single submitter. Criteria: Invitae Variant Classification Sherloc (09022015). Collection method: clinical testing. Allele origin: germline.
Comment: This sequence change replaces tryptophan, which is neutral and slightly polar, with cysteine, which is neutral and slightly polar, at codon 266 of the ATM protein (p.Trp266Cys). This variant is not present in population databases (gnomAD no frequency). This variant has not been reported in the literature in individuals affected with ATM-related conditions. ClinVar contains an entry for this variant (Variation ID: 1473797). Invitae Evidence Modeling of protein sequence and biophysical properties (such as structural, functional, and spatial information, amino acid conservation, physicochemical variation, residue mobility, and thermodynamic stability) indicates that this missense variant is not expected to disrupt ATM protein function with a negative predictive value of 95%. In summary, the available evidence is currently insufficient to determine the role of this variant in disease. Therefore, it has been classified as a Variant of Uncertain Significance.